The following is an entry in ClinVar:

ClinVar aggregate classification (germline): Likely pathogenic (1 of 4 stars; one submission).

Conditions:
Biotinidase deficiency. Also called: BTD deficiency; Late-onset biotin-responsive multiple carboxylase deficiency; Biotin deficiency. Identifiers: Orphanet 79241, MedGen C0220754, MONDO:0009665, OMIM 253260.

Submission:

Natera, Inc.
Classification: Likely pathogenic for Biotinidase deficiency. Last evaluated: 2026-01-16. Review status: criteria provided, single submitter. Criteria: Natera Variant Classification Schema (03/2026). Collection method: clinical testing. Allele origin: germline.
Comment: The c.1267T>C variant in BTD is a missense variant predicted to cause substitution of cysteine to arginine at amino acid 423. This variant is rare in the general population with a frequency below the threshold expected for the associated phenotype(s). This variant has been observed in one or more individuals affected with the associated recessive disease, as either homozygous or compound heterozygous with a second variant (PMID: 35195902, 31035122, 9396567). Computational prediction algorithms indicate this variant is likely to affect gene or protein function. Given the available evidence, this variant is classified as Likely Pathogenic.

Literature cited by the submitters: PubMed 35195902; PubMed 31035122; PubMed 9396567.

NM_000060.4:c.1267T>C

Variant type: single nucleotide variant.
Other names: c.1267T>C (NM_000060.4).
Identifiers: ClinVar variation 4815946 (VCV004815946.1).